The following is an entry in ClinVar:

NM_152564.5(VPS13B):c.5619A>C (p.Glu1873Asp)

Gene: VPS13B (vacuolar protein sorting 13 homolog B; plus strand). Cytogenetic location: 8q22.2.
Variant type: single nucleotide variant.
Coding change: c.5619A>C on transcript NM_152564.5 (MANE Select); coding-DNA position 5619, A replaced by C.
Protein change: p.Glu1873Asp; replaces glutamic acid 1873 with aspartic acid.
Molecular consequence: missense variant.
Genome position (GRCh38, 1-based): chr8:99,642,209, A>C. VCF-style: chr8-99642209-A-C. GRCh37 (hg19) VCF-style: chr8-100654437-A-C.
Other names: c.5694A>C, p.Glu1898Asp (NM_017890.5); short protein forms E1873D, E1898D.
Identifiers: ClinVar variation 2162402 (VCV002162402.1), dbSNP rs760108215, ClinGen allele CA4823848.

ClinVar aggregate classification (germline): Uncertain significance (1 of 4 stars; one submission).

Conditions:
Cohen syndrome (COH1). Also called: Cutis verticis gyrata, retinitis pigmentosa, and sensorineural deafness; PEPPER SYNDROME. Identifiers: Orphanet 193, MedGen C0265223, MONDO:0008999, OMIM 216550.

Allele frequency attached by ClinVar (database versions not stated): gnomAD exomes below 0.00001; TOPMed below 0.00001; ExAC 0.00001.
gnomAD v4.1: 1 of 1,614,196 alleles (0.000062%); highest among the groups gnomAD compares: Non-Finnish European, 0.000085%; no homozygotes.

Submission:

Labcorp Genetics (formerly Invitae), Labcorp
Classification: Uncertain significance for Cohen syndrome. Last evaluated: 2022-08-09. Review status: criteria provided, single submitter. Criteria: Invitae Variant Classification Sherloc (09022015). Collection method: clinical testing. Allele origin: germline.
Comment: This sequence change replaces glutamic acid, which is acidic and polar, with aspartic acid, which is acidic and polar, at codon 1898 of the VPS13B protein (p.Glu1898Asp). This variant is present in population databases (rs760108215, gnomAD 0.0009%). This variant has not been reported in the literature in individuals affected with VPS13B-related conditions. Algorithms developed to predict the effect of missense changes on protein structure and function output the following: SIFT: "Not Available"; PolyPhen-2: "Possibly Damaging"; Align-GVGD: "Not Available". The aspartic acid amino acid residue is found in multiple mammalian species, which suggests that this missense change does not adversely affect protein function. In summary, the available evidence is currently insufficient to determine the role of this variant in disease. Therefore, it has been classified as a Variant of Uncertain Significance.